The following is an entry in ClinVar:

ClinVar aggregate classification (germline): Uncertain significance (1 of 4 stars; one submission).

Conditions:
Isolated growth hormone deficiency, type 5. Also called: PITUITARY HORMONE DEFICIENCY, COMBINED OR ISOLATED, 7. Identifiers: MedGen C4748435, MONDO:0032569, OMIM 618160.

Submission:

3billion
Classification: Uncertain significance for Isolated growth hormone deficiency, type 5. Last evaluated: 2023-08-08. Review status: criteria provided, single submitter. Criteria: ACMG Guidelines, 2015. Collection method: clinical testing. Allele origin: germline. Affected: yes.
Comment: The variant is not observed in the gnomAD v2.1.1 dataset. Predicted Consequence/Location: Missense variant In silico tool predictions suggest damaging effect of the variant on gene or gene product [3Cnet: 0.86 (>=0.6, sensitivity 0.72 and precision 0.9)]. Same nucleotide change resulting in same amino acid change has been previously reported to be associated with RNPC3 related disorder (PMID: 35792517). However, the evidence of pathogenicity is insufficient at this time. Therefore, this variant is classified as VUS according to the recommendation of ACMG/AMP guideline.

Literature cited by the submitters: PubMed 35792517.

NM_017619.4(RNPC3):c.1328A>G (p.Tyr443Cys)

Gene: RNPC3 (RNA binding region (RNP1, RRM) containing 3; plus strand). Cytogenetic location: 1p21.1.
Variant type: single nucleotide variant.
Coding change: c.1328A>G on transcript NM_017619.4 (MANE Select); coding-DNA position 1328, A replaced by G.
Protein change: p.Tyr443Cys; replaces tyrosine 443 with cysteine.
Molecular consequence: missense variant.
Genome position (GRCh38, 1-based): chr1:103,547,002, A>G. VCF-style: chr1-103547002-A-G. GRCh37 (hg19) VCF-style: chr1-104089624-A-G.
Other names: short protein forms Y443C.
Identifiers: ClinVar variation 3775761 (VCV003775761.1).
Genomic context (GRCh38, chr1:103,547,002, plus strand): 5'-CTTTGTTATTTGTCTTTTTCTTATTGAAATTCTAGGACCTTAAATATATTTTTGGAAGAT[A>G]TGTTGACTTTTCATCAGAAACACAGCGGATCATGTAAGTGACAGTAAAATACAATCTTCA-3'
Protein context (NP_060089.1, residues 433-453): EKDLKYIFGR[Tyr443Cys]VDFSSETQRI